The following is an entry in ClinVar:

NM_005157.6(ABL1):c.2351C>T (p.Pro784Leu)

Gene: ABL1 (ABL proto-oncogene 1, non-receptor tyrosine kinase; plus strand). Cytogenetic location: 9q34.12.
Variant type: single nucleotide variant.
Coding change: c.2351C>T on transcript NM_005157.6 (MANE Select); coding-DNA position 2351, C replaced by T.
Protein change: p.Pro784Leu; replaces proline 784 with leucine.
Molecular consequence: missense variant.
Genome position (GRCh38, 1-based): chr9:130,884,641, C>T. VCF-style: chr9-130884641-C-T. GRCh37 (hg19) VCF-style: chr9-133760028-C-T.
Other names: c.2408C>T, p.Pro803Leu (NM_007313.3); short protein forms P803L, P784L.
Identifiers: ClinVar variation 1029154 (VCV001029154.1), dbSNP rs1355021408, ClinGen allele CA375256045.

ClinVar aggregate classification (germline): Likely pathogenic (1 of 4 stars; one submission).

Conditions:
Congenital heart defects and skeletal malformations syndrome. Identifiers: Orphanet 643503, MedGen C4539857, MONDO:0060532, OMIM 617602.

gnomAD v4.1: 1 of 1,613,256 alleles (0.000062%); highest among the groups gnomAD compares: African/African-American, 0.0013%; no homozygotes.

Submission:

Baylor Genetics
Classification: Likely pathogenic for Congenital heart defects and skeletal malformations syndrome. Last evaluated: 2019-05-24. Review status: criteria provided, single submitter. Criteria: ACMG Guidelines, 2015. Collection method: clinical testing. Allele origin: de novo. Affected: yes.
Comment: This variant was determined to be likely pathogenic according to ACMG Guidelines, 2015 [PMID:25741868].